The following is an entry in ClinVar:

ClinVar aggregate classification (germline): Pathogenic (1 of 4 stars; one submission).

Conditions:
Glycine encephalopathy. Also called: Nonketotic hyperglycinemia; Non-ketotic hyperglycinemia. Identifiers: Orphanet 407, MedGen C0751748, MONDO:0011612, HP:0008288.

Submission:

Labcorp Genetics (formerly Invitae), Labcorp
Classification: Pathogenic for Glycine encephalopathy. Last evaluated: 2022-10-27. Review status: criteria provided, single submitter. Criteria: Invitae Variant Classification Sherloc (09022015). Collection method: clinical testing. Allele origin: germline.
Comment: This variant is a gross deletion of the genomic region encompassing exon(s) 3-15 of the GLDC gene. This deletion is out-of-frame, and is expected to create a premature termination codon and result in an absent or disrupted protein product. Loss-of-function variants in GLDC are known to be pathogenic (PMID: 16601880). A similar copy number variant has been observed in individual(s) with nonketotic hyperglycinemia (PMID: 15670722). For these reasons, this variant has been classified as Pathogenic.

Literature cited by the submitters: PubMed 16601880; PubMed 15670722.

NC_000009.11:g.(?_6587131)_(6620329_?)del

Gene: GLDC (glycine decarboxylase; minus strand). Cytogenetic location: 9p24.1.
Variant type: Deletion.
Identifiers: ClinVar variation 2422529 (VCV002422529.6).